The following is an entry in ClinVar:

ClinVar aggregate classification (germline): Uncertain significance. Review status: criteria provided, multiple submitters, no conflicts (2 of 4 stars). 2 submissions from 2 submitters: Uncertain significance (2). Last evaluated 2025-11-01.

Conditions:
Cardiovascular phenotype. Identifiers: MedGen CN230736.
Progressive familial heart block type IB (PFHB1B). Identifiers: Orphanet 871, MedGen C1970298, MONDO:0011474, OMIM 604559.

Allele frequency attached by ClinVar (database versions not stated): TOPMed below 0.00001.
gnomAD v4.1: 8 of 1,613,482 alleles (0.0005%); highest among the groups gnomAD compares: Admixed American, 0.01%; no homozygotes.

Submissions (2):

Labcorp Genetics (formerly Invitae), Labcorp
Classification: Uncertain significance for Progressive familial heart block type IB. Last evaluated: 2025-11-01. Review status: criteria provided, single submitter. Criteria: Invitae Variant Classification Sherloc (09022015). Collection method: clinical testing. Allele origin: germline.
Comment: This sequence change replaces valine, which is neutral and non-polar, with methionine, which is neutral and non-polar, at codon 351 of the TRPM4 protein (p.Val351Met). This variant is present in population databases (no rsID available, gnomAD 0.003%). This variant has not been reported in the literature in individuals affected with TRPM4-related conditions. ClinVar contains an entry for this variant (Variation ID: 468925). An algorithm developed to predict the effect of missense changes on protein structure and function (PolyPhen-2) suggests that this variant is likely to be tolerated. In summary, the available evidence is currently insufficient to determine the role of this variant in disease. Therefore, it has been classified as a Variant of Uncertain Significance.

Ambry Genetics
Classification: Uncertain significance for Cardiovascular phenotype. Last evaluated: 2022-06-06. Review status: criteria provided, single submitter. Criteria: Ambry Variant Classification Scheme 2023. Collection method: clinical testing. Allele origin: germline.
Comment: The p.V351M variant (also known as c.1051G>A) is located in coding exon 9 of the TRPM4 gene. The valine at codon 351 is replaced by methionine, an amino acid with highly similar properties. This change occurs in the first base pair of coding exon 9. This amino acid position is conserved. In addition, this alteration is predicted to be tolerated by in silico analysis. Since supporting evidence is limited at this time, the clinical significance of this alteration remains unclear.

NM_017636.4(TRPM4):c.1051G>A (p.Val351Met)

Gene: TRPM4 (transient receptor potential cation channel subfamily M member 4; plus strand). Cytogenetic location: 19q13.33.
Variant type: single nucleotide variant.
Coding change: c.1051G>A on transcript NM_017636.4 (MANE Select); coding-DNA position 1051, G replaced by A.
Protein change: p.Val351Met; replaces valine 351 with methionine.
Molecular consequence: missense variant. On other transcripts: 5 prime UTR variant (1), intron variant (1).
Genome position (GRCh38, 1-based): chr19:49,172,009, G>A. VCF-style: chr19-49172009-G-A. GRCh37 (hg19) VCF-style: chr19-49675266-G-A.
Other names: c.1051G>A, p.Val351Met (NM_001195227.2); c.706G>A, p.Val236Met (NM_001321281.2); c.-503G>A (NM_001321282.2); c.529G>A, p.Val177Met (NM_001321283.2); c.201+240G>A (NM_001321285.2); short protein forms V351M, V177M, V236M.
Identifiers: ClinVar variation 468925 (VCV000468925.10), dbSNP rs761344945, ClinGen allele CA406795011.